The following is an entry in ClinVar:

ClinVar aggregate classification (germline): Uncertain significance. Review status: criteria provided, multiple submitters, no conflicts (2 of 4 stars). 3 submissions from 3 submitters: Uncertain significance (3). Last evaluated 2024-07-11.

Conditions:
Inborn genetic diseases. Identifiers: MedGen C0950123, MeSH D030342.
Benign neonatal seizures. Also called: Benign familial neonatal epilepsy; Convulsions benign familial neonatal dominant form; Autosomal dominant form of benign neonatal seizures; Benign familial neonatal seizures; Benign neonatal familial convulsions. Identifiers: Orphanet 1949, MedGen C0220669, MONDO:0016027.
Seizures, benign familial neonatal, 2. Also called: Seizures, benign neonatal, 2; Benign Neonatal Epilepsy 2; CONVULSIONS, BENIGN FAMILIAL NEONATAL, 2; KCNQ3-Related Benign Familial Neonatal Epilepsy; KCNQ3-Related Self-Limited Familial Neonatal Epilepsy (SLFNE). Identifiers: Orphanet 1949, MedGen C1852581, MONDO:0007366, OMIM 121201.

Allele frequency attached by ClinVar (database versions not stated): gnomAD 0.00001; gnomAD exomes 0.00003.
gnomAD v4.1: 30 of 1,283,554 alleles (0.0023%); highest among the groups gnomAD compares: Non-Finnish European, 0.0028%; no homozygotes.

Submissions (3):

Labcorp Genetics (formerly Invitae), Labcorp
Classification: Uncertain significance for Benign neonatal seizures. Last evaluated: 2024-07-11. Review status: criteria provided, single submitter. Criteria: Invitae Variant Classification Sherloc (09022015). Collection method: clinical testing. Allele origin: germline.
Comment: This sequence change replaces alanine, which is neutral and non-polar, with threonine, which is neutral and polar, at codon 25 of the KCNQ3 protein (p.Ala25Thr). The frequency data for this variant in the population databases is considered unreliable, as metrics indicate poor data quality at this position in the gnomAD database. This variant has not been reported in the literature in individuals affected with KCNQ3-related conditions. ClinVar contains an entry for this variant (Variation ID: 587943). Advanced modeling of protein sequence and biophysical properties (such as structural, functional, and spatial information, amino acid conservation, physicochemical variation, residue mobility, and thermodynamic stability) performed at Invitae indicates that this missense variant is not expected to disrupt KCNQ3 protein function with a negative predictive value of 95%. In summary, the available evidence is currently insufficient to determine the role of this variant in disease. Therefore, it has been classified as a Variant of Uncertain Significance.

Fulgent Genetics
Classification: Uncertain significance for Seizures, benign familial neonatal, 2. Last evaluated: 2022-01-14. Review status: criteria provided, single submitter. Criteria: ACMG Guidelines, 2015. Collection method: clinical testing. Allele origin: unknown.

Ambry Genetics
Classification: Uncertain significance for Inborn genetic diseases. Last evaluated: 2016-06-15. Review status: criteria provided, single submitter. Criteria: Ambry Variant Classification Scheme 2023. Collection method: clinical testing. Allele origin: germline.
Comment: The p.A25T variant (also known as c.73G>A), located in coding exon 1 of the KCNQ3 gene, results from a G to A substitution at nucleotide position 73. The alanine at codon 25 is replaced by threonine, an amino acid with similar properties. This variant was not reported in population based cohorts in the following databases: Database of Single Nucleotide Polymorphisms (dbSNP), NHLBI Exome Sequencing Project (ESP), and 1000 Genomes Project. In the ESP, this variant was not observed in 2659 samples (5318 alleles) with coverage at this position. This amino acid position is highly conserved in available vertebrate species. In addition, the in silico prediction for this alteration is inconclusive. Since supporting evidence is limited at this time, the clinical significance of this alteration remains unclear.

NM_004519.4(KCNQ3):c.73G>A (p.Ala25Thr)

Gene: KCNQ3 (potassium voltage-gated channel subfamily Q member 3; minus strand). Cytogenetic location: 8q24.22.
Variant type: single nucleotide variant.
Coding change: c.73G>A on transcript NM_004519.4 (MANE Select); coding-DNA position 73, G replaced by A.
Protein change: p.Ala25Thr; replaces alanine 25 with threonine.
Molecular consequence: missense variant.
Genome position (GRCh38, 1-based): chr8:132,480,460, C>T on the plus strand (G>A on the coding strand, the complement: KCNQ3 is on the minus strand). VCF-style: chr8-132480460-C-T. GRCh37 (hg19) VCF-style: chr8-133492707-C-T.
Other names: short protein forms A25T.
Identifiers: ClinVar variation 587943 (VCV000587943.8), dbSNP rs1280461599, ClinGen allele CA372292950.